The following is an entry in ClinVar:

NM_024426.6(WT1):c.333G>T (p.Leu111=)

Genes: WT1 (WT1 transcription factor; minus strand), LOC107982234 (WT1/WT1-AS bi-directional promoter region; plus strand). Cytogenetic location: 11p13.
Variant type: single nucleotide variant.
Coding change: c.333G>T on transcript NM_024426.6 (MANE Select); coding-DNA position 333, G replaced by T.
Protein change: p.Leu111=; no amino-acid change (leucine 111 retained).
Molecular consequence: synonymous variant. On other transcripts: non-coding transcript variant (1).
Genome position (GRCh38, 1-based): chr11:32,435,028, C>A on the plus strand (G>T on the coding strand, the complement: WT1 is on the minus strand). VCF-style: chr11-32435028-C-A. GRCh37 (hg19) VCF-style: chr11-32456574-C-A.
Other names: c.333G>T, p.Leu111= (NM_000378.6, NM_024424.5); c.318G>T (NM_024426.4).
Identifiers: ClinVar variation 1641804 (VCV001641804.39), dbSNP rs1853459139, ClinGen allele CA473773832.

ClinVar aggregate classification (germline): Likely benign. Review status: criteria provided, multiple submitters, no conflicts (2 of 4 stars). 3 submissions from 3 submitters: Likely benign (3). Last evaluated 2025-12-07.

Conditions:
Inborn genetic diseases. Identifiers: MedGen C0950123, MeSH D030342.
Frasier syndrome. Identifiers: Orphanet 347, MedGen C0950122, MeSH D052159, MONDO:0007635, OMIM 136680.
Drash syndrome (DDS). Also called: WILMS TUMOR AND PSEUDO- OR TRUE HERMAPHRODITISM; NEPHROPATHY, WILMS TUMOR, AND GENITAL ANOMALIES. Identifiers: Orphanet 220, MedGen C0950121, MONDO:0008682, OMIM 194080.
Wilms tumor 1 (WT1). Also called: Wilms tumor, somatic. Identifiers: Orphanet 654, MedGen CN033288, MONDO:0008679, OMIM 194070.
11p partial monosomy syndrome (WAGR). Also called: CHROMOSOME 11p13 DELETION SYNDROME; WAGR Spectrum Disorder; WAGR syndrome; WAGR Complex. Identifiers: Orphanet 893, MedGen C0206115, MONDO:0008681, OMIM 194072.

Allele frequency attached by ClinVar (database versions not stated): gnomAD exomes below 0.00001; gnomAD 0.00001; TOPMed 0.00002.
gnomAD v4.1: 4 of 1,467,946 alleles (0.00027%); highest among the groups gnomAD compares: African/African-American, 0.006%; no homozygotes.

Submissions (3):

Ambry Genetics
Classification: Likely benign for Inborn genetic diseases. Last evaluated: 2025-12-07. Review status: criteria provided, single submitter. Criteria: Ambry Variant Classification Scheme 2023. Collection method: clinical testing. Allele origin: germline.

CeGaT Center for Human Genetics Tuebingen
Classification: Likely benign. Last evaluated: 2022-04-01. Review status: criteria provided, single submitter. Criteria: CeGaT Center For Human Genetics Tuebingen Variant Classification Criteria Version 2. Collection method: clinical testing. Allele origin: germline. Affected: yes. Observed: 1 variant allele.
Comment: WT1: BP4, BP7

Labcorp Genetics (formerly Invitae), Labcorp
Classification: Likely benign for Wilms tumor 1; Drash syndrome; 11p partial monosomy syndrome; Frasier syndrome. Last evaluated: 2021-10-08. Review status: criteria provided, single submitter. Criteria: Invitae Variant Classification Sherloc (09022015). Collection method: clinical testing. Allele origin: germline.